The following is an entry in ClinVar:

ClinVar aggregate classification (germline): Uncertain significance (1 of 4 stars; one submission).

gnomAD v4.1: 5 of 1,613,940 alleles (0.00031%); highest among the groups gnomAD compares: Non-Finnish European, 0.00042%; no homozygotes.

Submission:

Labcorp Genetics (formerly Invitae), Labcorp
Classification: Uncertain significance. Last evaluated: 2022-04-18. Review status: criteria provided, single submitter. Criteria: Invitae Variant Classification Sherloc (09022015). Collection method: clinical testing. Allele origin: germline.
Comment: In summary, the available evidence is currently insufficient to determine the role of this variant in disease. Therefore, it has been classified as a Variant of Uncertain Significance. Algorithms developed to predict the effect of missense changes on protein structure and function (SIFT, PolyPhen-2, Align-GVGD) all suggest that this variant is likely to be tolerated. This variant has not been reported in the literature in individuals affected with SLC10A2-related conditions. This variant is not present in population databases (gnomAD no frequency). This sequence change replaces threonine, which is neutral and polar, with alanine, which is neutral and non-polar, at codon 288 of the SLC10A2 protein (p.Thr288Ala).

NM_000452.3(SLC10A2):c.862A>G (p.Thr288Ala)

Gene: SLC10A2 (solute carrier family 10 member 2; minus strand). Cytogenetic location: 13q33.1.
Variant type: single nucleotide variant.
Coding change: c.862A>G on transcript NM_000452.3 (MANE Select); coding-DNA position 862, A replaced by G.
Protein change: p.Thr288Ala; replaces threonine 288 with alanine.
Molecular consequence: missense variant.
Genome position (GRCh38, 1-based): chr13:103,049,346, T>C on the plus strand (A>G on the coding strand, the complement: SLC10A2 is on the minus strand). VCF-style: chr13-103049346-T-C. GRCh37 (hg19) VCF-style: chr13-103701696-T-C.
Other names: short protein forms T288A.
Identifiers: ClinVar variation 2127652 (VCV002127652.4), dbSNP rs202212847, ClinGen allele CA255201705.